The following is an entry in ClinVar:

NM_004304.5(ALK):c.874C>G (p.Arg292Gly)

Gene: ALK (ALK receptor tyrosine kinase; minus strand). Cytogenetic location: 2p23.2.
Variant type: single nucleotide variant.
Coding change: c.874C>G on transcript NM_004304.5 (MANE Select); coding-DNA position 874, C replaced by G.
Protein change: p.Arg292Gly; replaces arginine 292 with glycine.
Molecular consequence: missense variant.
Genome position (GRCh38, 1-based): chr2:29,694,928, G>C on the plus strand (C>G on the coding strand, the complement: ALK is on the minus strand). VCF-style: chr2-29694928-G-C. GRCh37 (hg19) VCF-style: chr2-29917794-G-C.
Other names: c.874C>G (NM_004304.4); short protein forms R292G.
Identifiers: ClinVar variation 1445281 (VCV001445281.9), dbSNP rs201750304, ClinGen allele CA1594832.

ClinVar aggregate classification (germline): Conflicting classifications of pathogenicity. Review status: criteria provided, conflicting classifications (1 of 4 stars). 2 submissions from 2 submitters: Uncertain significance (1); Likely benign (1). Last evaluated 2025-10-31.

Conditions:
Neuroblastoma, susceptibility to, 3. Also called: ALK-Related Neuroblastic Tumor Susceptibility. Identifiers: Orphanet 635, MedGen C2751681, MONDO:0013083, OMIM 613014.
Hereditary cancer-predisposing syndrome. Also called: Tumor predisposition; Hereditary neoplastic syndrome; Hereditary Cancer Syndrome; Neoplastic Syndromes, Hereditary. Identifiers: Orphanet 140162, MedGen C0027672, MeSH D009386, MONDO:0015356.

gnomAD v4.1: 4 of 1,614,000 alleles (0.00025%); highest among the groups gnomAD compares: African/African-American, 0.0053%; no homozygotes.

Submissions (2):

Ambry Genetics
Classification: Likely benign for Hereditary cancer-predisposing syndrome. Last evaluated: 2025-10-31. Review status: criteria provided, single submitter. Criteria: Ambry Variant Classification Scheme 2023. Collection method: clinical testing. Allele origin: germline.

Labcorp Genetics (formerly Invitae), Labcorp
Classification: Uncertain significance for Neuroblastoma, susceptibility to, 3. Last evaluated: 2024-10-21. Review status: criteria provided, single submitter. Criteria: Invitae Variant Classification Sherloc (09022015). Collection method: clinical testing. Allele origin: germline.
Comment: This sequence change replaces arginine, which is basic and polar, with glycine, which is neutral and non-polar, at codon 292 of the ALK protein (p.Arg292Gly). This variant is present in population databases (rs201750304, gnomAD 0.01%). This variant has not been reported in the literature in individuals affected with ALK-related conditions. ClinVar contains an entry for this variant (Variation ID: 1445281). An algorithm developed to predict the effect of missense changes on protein structure and function (PolyPhen-2) suggests that this variant is likely to be disruptive. In summary, the available evidence is currently insufficient to determine the role of this variant in disease. Therefore, it has been classified as a Variant of Uncertain Significance.